The following is an entry in ClinVar:

NM_001009999.3(KDM1A):c.845T>C (p.Ile282Thr)

Gene: KDM1A (lysine demethylase 1A; plus strand). Cytogenetic location: 1p36.12.
Variant type: single nucleotide variant.
Coding change: c.845T>C on transcript NM_001009999.3 (MANE Select); coding-DNA position 845, T replaced by C.
Protein change: p.Ile282Thr; replaces isoleucine 282 with threonine.
Molecular consequence: missense variant.
Genome position (GRCh38, 1-based): chr1:23,055,123, T>C. VCF-style: chr1-23055123-T-C. GRCh37 (hg19) VCF-style: chr1-23381616-T-C.
Other names: c.785T>C, p.Ile262Thr (NM_001363654.2, NM_001410763.1, NM_015013.4); c.845T>C, p.Ile282Thr (NM_001410762.1); c.845T>C (NM_001009999.2); short protein forms I282T, I262T.
Identifiers: ClinVar variation 3686424 (VCV003686424.3).
Genomic context (GRCh38, chr1:23,055,123, plus strand): 5'-CTGTAGGTGATACTGTGCTTGTCCACCGAGTTCACAGTTATTTAGAGCGTCATGGTCTTA[T>C]CAACTTCGGCATCTATAAGAGGATAAAACCCCTACCAAGTAAGGACCTCCTACCTGGCTG-3'
Protein context (NP_001009999.1, residues 272-292): VHSYLERHGL[Ile282Thr]NFGIYKRIKP

ClinVar aggregate classification (germline): Uncertain significance. Review status: criteria provided, multiple submitters, no conflicts (2 of 4 stars). 2 submissions from 2 submitters: Uncertain significance (2). Last evaluated 2025-02-03.

Conditions:
Inborn genetic diseases. Identifiers: MedGen C0950123, MeSH D030342.

gnomAD v4.1: 2 of 1,612,344 alleles (0.00012%); highest among the groups gnomAD compares: African/African-American, 0.0013%; no homozygotes.

Submissions (2):

Ambry Genetics
Classification: Uncertain significance for Inborn genetic diseases. Last evaluated: 2025-02-03. Review status: criteria provided, single submitter. Criteria: Ambry Variant Classification Scheme 2023. Collection method: clinical testing. Allele origin: germline.
Comment: The p.I282T variant (also known as c.845T>C), located in coding exon 6 of the KDM1A gene, results from a T to C substitution at nucleotide position 845. The isoleucine at codon 282 is replaced by threonine, an amino acid with similar properties. This amino acid position is conserved. In addition, this alteration is predicted to be deleterious by in silico analysis. Based on the available evidence, the clinical significance of this variant remains unclear.

Labcorp Genetics (formerly Invitae), Labcorp
Classification: Uncertain significance. Last evaluated: 2024-11-21. Review status: criteria provided, single submitter. Criteria: Invitae Variant Classification Sherloc (09022015). Collection method: clinical testing. Allele origin: germline.
Comment: This sequence change replaces isoleucine, which is neutral and non-polar, with threonine, which is neutral and polar, at codon 282 of the KDM1A protein (p.Ile282Thr). This variant is present in population databases (no rsID available, gnomAD 0.01%). This variant has not been reported in the literature in individuals affected with KDM1A-related conditions. Invitae Evidence Modeling of protein sequence and biophysical properties (such as structural, functional, and spatial information, amino acid conservation, physicochemical variation, residue mobility, and thermodynamic stability) indicates that this missense variant is expected to disrupt KDM1A protein function with a positive predictive value of 80%. In summary, the available evidence is currently insufficient to determine the role of this variant in disease. Therefore, it has been classified as a Variant of Uncertain Significance.